The following is an entry in ClinVar:

ClinVar aggregate classification (germline): Likely benign (1 of 4 stars; one submission).

Conditions:
Hereditary spastic paraplegia 48. Also called: SPASTIC PARAPLEGIA 48, AUTOSOMAL RECESSIVE; Spastic paraplegia 48. Identifiers: Orphanet 306511, MedGen C3150901, MONDO:0013342, OMIM 613647.

Allele frequency attached by ClinVar (database versions not stated): 1000 Genomes Project 0.02536; gnomAD 0.02603 and 0.02801; 1000 Genomes Project 30x 0.02701; TOPMed 0.02914.

Submission:

Illumina Laboratory Services, Illumina
Classification: Likely benign for Hereditary spastic paraplegia 48. Last evaluated: 2017-04-28. Review status: criteria provided, single submitter. Criteria: ICSL Variant Classification Criteria 13 December 2019. Collection method: clinical testing. Allele origin: germline.
Comment: This variant was observed as part of a predisposition screen in an ostensibly healthy population. A literature search was performed for the gene, cDNA change, and amino acid change (where applicable). No publications were found based on this search. Allele frequency data from public databases allowed determination this variant is unlikely to cause disease. Therefore, this variant is classified as likely benign.

NM_014855.3(AP5Z1):c.*1441C>T

Gene: AP5Z1 (adaptor related protein complex 5 subunit zeta 1; plus strand). Cytogenetic location: 7p22.1.
Variant type: single nucleotide variant.
Coding change: c.*1441C>T on transcript NM_014855.3 (MANE Select); 1441 bases downstream of the stop codon, C replaced by T.
Molecular consequence: 3 prime UTR variant. On other transcripts: non-coding transcript variant (1).
Genome position (GRCh38, 1-based): chr7:4,792,826, C>T. VCF-style: chr7-4792826-C-T. GRCh37 (hg19) VCF-style: chr7-4832457-C-T.
Other names: c.*1441C>T (LRG_1247t1, NM_001364858.1).
Identifiers: ClinVar variation 360381 (VCV000360381.5), dbSNP rs112405589, ClinGen allele CA10624084.